The following is an entry in ClinVar:

NM_033272.4(KCNH7):c.2024G>A (p.Arg675Lys)

Gene: KCNH7 (potassium voltage-gated channel subfamily H member 7; minus strand). Cytogenetic location: 2q24.2.
Variant type: single nucleotide variant.
Coding change: c.2024G>A on transcript NM_033272.4 (MANE Select); coding-DNA position 2024, G replaced by A.
Protein change: p.Arg675Lys; replaces arginine 675 with lysine.
Molecular consequence: missense variant.
Genome position (GRCh38, 1-based): chr2:162,423,466, C>T on the plus strand (G>A on the coding strand, the complement: KCNH7 is on the minus strand). VCF-style: chr2-162423466-C-T. GRCh37 (hg19) VCF-style: chr2-163279976-C-T.
Other names: c.2003G>A, p.Arg668Lys (NM_173162.3); short protein forms R668K, R675K.
Identifiers: ClinVar variation 2635580 (VCV002635580.1), dbSNP rs2468310322, ClinGen allele CA349220411.

ClinVar aggregate classification (germline): Uncertain significance (1 of 4 stars; one submission).

Conditions:
KCNH7-related disorder. Also called: KCNH7-related condition.

Submission:

PreventionGenetics, part of Exact Sciences
Classification: Uncertain significance for KCNH7-related condition. Last evaluated: 2023-02-17. Review status: criteria provided, single submitter. Criteria: ACMG Guidelines, 2015. Collection method: clinical testing. Allele origin: germline.
Comment: The KCNH7 c.2024G>A variant is predicted to result in the amino acid substitution p.Arg675Lys. To our knowledge, this variant has not been reported in the literature or in a large population database, indicating this variant is rare. At this time, the clinical significance of this variant is uncertain due to the absence of conclusive functional and genetic evidence.